The following is an entry in ClinVar:

NM_000388.4(CASR):c.596A>T (p.Asp199Val)

Gene: CASR (calcium sensing receptor; plus strand). Cytogenetic location: 3q21.1.
Variant type: single nucleotide variant.
Coding change: c.596A>T on transcript NM_000388.4 (MANE Select); coding-DNA position 596, A replaced by T.
Protein change: p.Asp199Val; replaces aspartic acid 199 with valine.
Molecular consequence: missense variant.
Genome position (GRCh38, 1-based): chr3:122,261,631, A>T. VCF-style: chr3-122261631-A-T. GRCh37 (hg19) VCF-style: chr3-121980478-A-T.
Other names: c.596A>T, p.Asp199Val (NM_001178065.2); short protein forms D199V.
Identifiers: ClinVar variation 1750769 (VCV001750769.2), dbSNP rs2473225552, ClinGen allele CA354150928.

ClinVar aggregate classification (germline): Uncertain significance (1 of 4 stars; one submission).

Conditions:
Nephrolithiasis/nephrocalcinosis. Identifiers: MedGen CN580796.

Submission:

Ambry Genetics
Classification: Uncertain significance for Nephrolithiasis/nephrocalcinosis. Last evaluated: 2021-11-18. Review status: criteria provided, single submitter. Criteria: Ambry Variant Classification Scheme 2023. Collection method: clinical testing. Allele origin: germline.
Comment: The p.D199V variant (also known as c.596A>T), located in coding exon 3 of the CASR gene, results from an A to T substitution at nucleotide position 596. The aspartic acid at codon 199 is replaced by valine, an amino acid with highly dissimilar properties. This amino acid position is conserved. In addition, this alteration is predicted to be deleterious by in silico analysis. Since supporting evidence is limited at this time, the clinical significance of this alteration remains unclear.